The following is an entry in ClinVar:

ClinVar aggregate classification (germline): Uncertain significance. Review status: criteria provided, multiple submitters, no conflicts (2 of 4 stars). 2 submissions from 2 submitters: Uncertain significance (2). Last evaluated 2026-03-26.

Conditions:
Rubinstein-Taybi syndrome (RSTS). Identifiers: Orphanet 783, MedGen C0035934, MONDO:0019188.

Allele frequency attached by ClinVar (database versions not stated): gnomAD exomes below 0.00001; TOPMed 0.00001.
gnomAD v4.1: 2 of 1,614,098 alleles (0.00012%); highest among the groups gnomAD compares: African/African-American, 0.0027%; no homozygotes.

Submissions (2):

Dasa
Classification: Uncertain significance. Last evaluated: 2026-03-26. Review status: criteria provided, single submitter. Criteria: DASA Assertion Criteria. Collection method: clinical testing. Allele origin: germline.
Comment: NM_004380.3(CREBBP):c.2765C>A (p.Ala922Asp) is a missense variant that results in the substitution of alanine with aspartic acid. This variant is rare in population databases. The currently available literature and clinical evidence are not sufficient to establish a definitive association between this variant and the reported condition. Therefore, this variant is classified as a variant of uncertain significance.

Labcorp Genetics (formerly Invitae), Labcorp
Classification: Uncertain significance for Rubinstein-Taybi syndrome. Last evaluated: 2025-12-30. Review status: criteria provided, single submitter. Criteria: Invitae Variant Classification Sherloc (09022015). Collection method: clinical testing. Allele origin: germline.
Comment: This sequence change replaces alanine, which is neutral and non-polar, with aspartic acid, which is acidic and polar, at codon 922 of the CREBBP protein (p.Ala922Asp). This variant is not present in population databases (gnomAD no frequency). This variant has not been reported in the literature in individuals affected with CREBBP-related conditions. ClinVar contains an entry for this variant (Variation ID: 2187220). Invitae Evidence Modeling of protein sequence and biophysical properties (such as structural, functional, and spatial information, amino acid conservation, physicochemical variation, residue mobility, and thermodynamic stability) indicates that this missense variant is not expected to disrupt CREBBP protein function with a negative predictive value of 95%. In summary, the available evidence is currently insufficient to determine the role of this variant in disease. Therefore, it has been classified as a Variant of Uncertain Significance.

NM_004380.3(CREBBP):c.2765C>A (p.Ala922Asp)

Gene: CREBBP (CREB binding lysine acetyltransferase; minus strand). Cytogenetic location: 16p13.3.
Variant type: single nucleotide variant.
Coding change: c.2765C>A on transcript NM_004380.3 (MANE Select); coding-DNA position 2765, C replaced by A.
Protein change: p.Ala922Asp; replaces alanine 922 with aspartic acid.
Molecular consequence: missense variant.
Genome position (GRCh38, 1-based): chr16:3,770,685, G>T on the plus strand (C>A on the coding strand, the complement: CREBBP is on the minus strand). VCF-style: chr16-3770685-G-T. GRCh37 (hg19) VCF-style: chr16-3820686-G-T.
Other names: c.2651C>A, p.Ala884Asp (NM_001079846.1); short protein forms A884D, A922D.
Identifiers: ClinVar variation 2187220 (VCV002187220.6), dbSNP rs868054808, ClinGen allele CA276969026.
Genomic context (GRCh38, chr16:3,770,685, plus strand): 5'-GGGGTAGCCACAGACGGGGGCTGAACTGGGGTTTGAGGCTGCGGGGTCACCTGGGCCTGG[G>T]CTGCTGCCTGGACTGTAGGGGTGCTCTGGGTTTGGGTAGCACTGGGCACTGAGCCAGGAG-3'
Protein context (NP_004371.2, residues 912-932): TQSTPTVQAA[Ala922Asp]QAQVTPQPQT